The following is an entry in ClinVar:

ClinVar aggregate classification (germline): Uncertain significance (1 of 4 stars; one submission).

Conditions:
KINSSHIP syndrome. Also called: MESOMELIC DYSPLASIA, STEICHEN-GERSDORF TYPE; MESOMELIC DYSPLASIA, AFF3-RELATED. Identifiers: MedGen C5543317, MONDO:0851095, OMIM 619297.

Submission:

Dasa
Classification: Uncertain significance for KINSSHIP syndrome. Last evaluated: 2025-09-04. Review status: criteria provided, single submitter. Criteria: DASA Assertion Criteria. Collection method: clinical testing. Allele origin: germline.
Comment: NM_001386135.1(AFF3):c.2466+5G>A is a splice-region variant predicted to affect normal RNA splicing. This variant is absent from population databases. Computational prediction algorithms are consistent with a deleterious effect. The currently available literature and clinical evidence are not sufficient to establish a definitive association between this variant and the reported condition. Therefore, this variant is classified as a variant of uncertain significance.

NM_001386135.1(AFF3):c.2466+5G>A

Gene: AFF3 (ALF transcription elongation factor 3; minus strand). Cytogenetic location: 2q11.2.
Variant type: single nucleotide variant.
Coding change: c.2466+5G>A on transcript NM_001386135.1 (MANE Select); 5 bases into the intron after coding-DNA position 2466, G replaced by A.
Molecular consequence: intron variant.
Genome position (GRCh38, 1-based): chr2:99,593,190, C>T on the plus strand (G>A on the coding strand, the complement: AFF3 is on the minus strand). VCF-style: chr2-99593190-C-T. GRCh37 (hg19) VCF-style: chr2-100209652-C-T.
Other names: c.2466+5G>A (NM_002285.3); c.2541+5G>A (NM_001025108.2).
Identifiers: ClinVar variation 4882015 (VCV004882015.2).